The following is an entry in ClinVar:

NM_001354604.2(MITF):c.217C>T (p.Arg73Cys)

Gene: MITF (melanocyte inducing transcription factor; plus strand). Cytogenetic location: 3p13.
Variant type: single nucleotide variant.
Coding change: c.217C>T on transcript NM_001354604.2 (MANE Select); coding-DNA position 217, C replaced by T.
Protein change: p.Arg73Cys; replaces arginine 73 with cysteine.
Molecular consequence: missense variant.
Genome position (GRCh38, 1-based): chr3:69,879,246, C>T. VCF-style: chr3-69879246-C-T. GRCh37 (hg19) VCF-style: chr3-69928397-C-T.
Other names: c.61C>T, p.Arg21Cys (NM_001184967.2, NM_001354608.2); c.214C>T, p.Arg72Cys (NM_001354605.2, NM_001354606.2, NM_006722.3); c.166C>T, p.Arg56Cys (NM_001354607.2); c.217C>T, p.Arg73Cys (NM_198159.3); c.169C>T, p.Arg57Cys (NM_198177.3); short protein forms R73C, R56C, R72C, R21C, R57C.
Identifiers: ClinVar variation 517169 (VCV000517169.5), dbSNP rs1478130504, ClinGen allele CA353558962.

ClinVar aggregate classification (germline): Uncertain significance. Review status: criteria provided, multiple submitters, no conflicts (2 of 4 stars). 2 submissions from 2 submitters: Uncertain significance (2). Last evaluated 2024-02-15.

Conditions:
Tietz syndrome (TADS). Also called: ALBINISM-DEAFNESS OF TIETZ; TIETZ ALBINISM-DEAFNESS SYNDROME; HYPOPIGMENTATION/DEAFNESS OF TIETZ. Identifiers: Orphanet 42665, MedGen C0391816, MONDO:0007077, OMIM 103500.
Waardenburg syndrome type 2A (WS2A). Also called: WAARDENBURG SYNDROME WITHOUT DYSTOPIA CANTHORUM. Identifiers: Orphanet 3440, MedGen C1860339, MONDO:0008671, OMIM 193510.
Coloboma, osteopetrosis, microphthalmia, macrocephaly, albinism, and deafness (COMMAD). Also called: COMMAD syndrome. Identifiers: Orphanet 603494, MedGen C4310625, MONDO:0015014, OMIM 617306.
Melanoma, cutaneous malignant, susceptibility to, 8. Also called: Cutaneous malignant melanoma 8; MELANOMA AND RENAL CELL CARCINOMA, SUSCEPTIBILITY TO. Identifiers: Orphanet 293822, MedGen C3152204, MONDO:0013759, OMIM 614456.

Allele frequency attached by ClinVar (database versions not stated): gnomAD exomes 0.00001; gnomAD 0.00002.
gnomAD v4.1: 12 of 1,614,042 alleles (0.00074%); highest among the groups gnomAD compares: Admixed American, 0.005%; no homozygotes.

Submissions (2):

Fulgent Genetics
Classification: Uncertain significance for Tietz syndrome; Waardenburg syndrome type 2A; Melanoma, cutaneous malignant, susceptibility to, 8; Coloboma, osteopetrosis, microphthalmia, macrocephaly, albinism, and deafness. Last evaluated: 2024-02-15. Review status: criteria provided, single submitter. Criteria: ACMG Guidelines, 2015. Collection method: clinical testing. Allele origin: germline.

Laboratory for Molecular Medicine, Mass General Brigham Personalized Medicine
Classification: Uncertain significance. Last evaluated: 2017-01-10. Review status: criteria provided, single submitter. Criteria: LMM Criteria. Collection method: clinical testing. Allele origin: germline. Observed: 1 variant allele.
Comment: p.Arg73Cys, c.217C>T (MITF; NM_198159.2; Chr3g.69928397C>T; GRCh37): The p.Arg73 Cys variant in MITF has not been previously reported in individuals with hearing loss or in large population studies. Computational prediction tools and conserv ation analyses do not provide strong support for or against an impact to the pro tein. In summary, the clinical significance of the p.Arg73Cys variant is uncerta in.